The following is an entry in ClinVar:

ClinVar aggregate classification (germline): Uncertain significance. Review status: criteria provided, multiple submitters, no conflicts (2 of 4 stars). 2 submissions from 2 submitters: Uncertain significance (2). Last evaluated 2024-10-28.

Conditions:
Inborn genetic diseases. Identifiers: MedGen C0950123, MeSH D030342.

Allele frequency attached by ClinVar (database versions not stated): gnomAD 0.00003; TOPMed 0.00003; gnomAD exomes 0.00004; ExAC 0.00007.
gnomAD v4.1: 60 of 1,602,530 alleles (0.0037%); highest among the groups gnomAD compares: Non-Finnish European, 0.005%; no homozygotes.

Submissions (2):

Ambry Genetics
Classification: Uncertain significance for Inborn genetic diseases. Last evaluated: 2024-10-28. Review status: criteria provided, single submitter. Criteria: Ambry Variant Classification Scheme 2023. Collection method: clinical testing. Allele origin: germline.

Labcorp Genetics (formerly Invitae), Labcorp
Classification: Uncertain significance. Last evaluated: 2023-11-24. Review status: criteria provided, single submitter. Criteria: Invitae Variant Classification Sherloc (09022015). Collection method: clinical testing. Allele origin: germline.
Comment: This sequence change replaces asparagine, which is neutral and polar, with serine, which is neutral and polar, at codon 230 of the EIF2AK2 protein (p.Asn230Ser). This variant is present in population databases (rs746662577, gnomAD 0.006%). This variant has not been reported in the literature in individuals affected with EIF2AK2-related conditions. Algorithms developed to predict the effect of missense changes on protein structure and function output the following: SIFT: "Not Available"; PolyPhen-2: "Benign"; Align-GVGD: "Not Available". The serine amino acid residue is found in multiple mammalian species, which suggests that this missense change does not adversely affect protein function. In summary, the available evidence is currently insufficient to determine the role of this variant in disease. Therefore, it has been classified as a Variant of Uncertain Significance.

NM_001135651.3(EIF2AK2):c.689A>G (p.Asn230Ser)

Gene: EIF2AK2 (eukaryotic translation initiation factor 2 alpha kinase 2; minus strand). Cytogenetic location: 2p22.2.
Variant type: single nucleotide variant.
Coding change: c.689A>G on transcript NM_001135651.3 (MANE Select); coding-DNA position 689, A replaced by G.
Protein change: p.Asn230Ser; replaces asparagine 230 with serine.
Molecular consequence: missense variant.
Genome position (GRCh38, 1-based): chr2:37,137,016, T>C on the plus strand (A>G on the coding strand, the complement: EIF2AK2 is on the minus strand). VCF-style: chr2-37137016-T-C. GRCh37 (hg19) VCF-style: chr2-37364159-T-C.
Other names: c.689A>G, p.Asn230Ser (NM_001135652.3, NM_002759.4); short protein forms N230S.
Identifiers: ClinVar variation 2881138 (VCV002881138.4), dbSNP rs746662577, ClinGen allele CA1615234.